The following is an entry in ClinVar:

ClinVar aggregate classification (germline): Uncertain significance (1 of 4 stars; one submission).

Submission:

Mayo Clinic Laboratories, Mayo Clinic
Classification: Uncertain significance. Last evaluated: 2024-05-30. Review status: criteria provided, single submitter. Criteria: ACMG Guidelines, 2015. Collection method: clinical testing. Allele origin: germline. Observed: 1 variant allele.
Comment: BP4

NM_001256071.3(RNF213):c.1885G>C (p.Val629Leu)

Gene: RNF213 (ring finger protein 213; plus strand). Cytogenetic location: 17q25.3.
Variant type: single nucleotide variant.
Coding change: c.1885G>C on transcript NM_001256071.3 (MANE Select); coding-DNA position 1885, G replaced by C.
Protein change: p.Val629Leu; replaces valine 629 with leucine.
Molecular consequence: missense variant.
Genome position (GRCh38, 1-based): chr17:80,295,686, G>C. VCF-style: chr17-80295686-G-C. GRCh37 (hg19) VCF-style: chr17-78269486-G-C.
Other names: p.Val629Leu; c.2032G>C, p.Val678Leu (NM_001410195.1, NM_020914.5); c.1885G>C, p.Val629Leu (NM_020954.4); short protein forms V629L, V678L.
Identifiers: ClinVar variation 3380526 (VCV003380526.1).
Genomic context (GRCh38, chr17:80,295,686, plus strand): 5'-TTTTTGCCTGTGGACTGCCCAGTGAGGAGTAAACTGAAAACAGGCCTGATTGTCCTTTTT[G>C]TAGTGGAAAAAATTGAGCTTTTATTAGAAGGCAGCCTGGACTGGTTGTGTCACCTCCTAA-3'
Protein context (NP_001243000.2, residues 619-639): KLKTGLIVLF[Val629Leu]VEKIELLLEG